The following is an entry in ClinVar:

NM_006031.6(PCNT):c.1276G>A (p.Glu426Lys)

Gene: PCNT (pericentrin; plus strand). Cytogenetic location: 21q22.3.
Variant type: single nucleotide variant.
Coding change: c.1276G>A on transcript NM_006031.6 (MANE Select); coding-DNA position 1276, G replaced by A.
Protein change: p.Glu426Lys; replaces glutamic acid 426 with lysine.
Molecular consequence: missense variant.
Genome position (GRCh38, 1-based): chr21:46,349,752, G>A. VCF-style: chr21-46349752-G-A. GRCh37 (hg19) VCF-style: chr21-47769666-G-A.
Other names: c.922G>A, p.Glu308Lys (NM_001315529.2); short protein forms E308K, E426K.
Identifiers: ClinVar variation 3350393 (VCV003350393.2).

ClinVar aggregate classification (germline): Uncertain significance. Review status: criteria provided, single submitter (1 of 4 stars). 2 submissions from 2 submitters: Uncertain significance (1). 1 of the submissions does not count toward it. Last evaluated 2025-05-29.

Conditions:
PCNT-related disorder. Also called: PCNT-related condition.
Inborn genetic diseases. Identifiers: MedGen C0950123, MeSH D030342.

gnomAD v4.1: 172 of 1,613,848 alleles (0.011%); highest among the groups gnomAD compares: Non-Finnish European, 0.014%; no homozygotes.

Submissions (2):

Ambry Genetics
Classification: Uncertain significance for Inborn genetic diseases. Last evaluated: 2025-05-29. Review status: criteria provided, single submitter. Criteria: Ambry Variant Classification Scheme 2023. Collection method: clinical testing. Allele origin: germline.

PreventionGenetics, part of Exact Sciences
Classification: Uncertain significance for PCNT-related condition. Last evaluated: 2024-04-09. Review status: no assertion criteria provided. Collection method: clinical testing. Allele origin: germline. Not counted in ClinVar's aggregate classification.
Comment: The PCNT c.1276G>A variant is predicted to result in the amino acid substitution p.Glu426Lys. To our knowledge, this variant has not been reported in the literature. This variant is reported in 0.0035% of alleles in individuals of European (Non-Finnish) descent in gnomAD. At this time, the clinical significance of this variant is uncertain due to the absence of conclusive functional and genetic evidence.